The following is an entry in ClinVar:

NM_182643.3(DLC1):c.1845C>T (p.Thr615=)

Gene: DLC1 (DLC1 Rho GTPase activating protein; minus strand). Cytogenetic location: 8p22.
Variant type: single nucleotide variant.
Coding change: c.1845C>T on transcript NM_182643.3 (MANE Select); coding-DNA position 1845, C replaced by T.
Protein change: p.Thr615=; no amino-acid change (threonine 615 retained).
Molecular consequence: synonymous variant.
Genome position (GRCh38, 1-based): chr8:13,100,492, G>A on the plus strand (C>T on the coding strand, the complement: DLC1 is on the minus strand). VCF-style: chr8-13100492-G-A. GRCh37 (hg19) VCF-style: chr8-12958001-G-A.
Other names: c.312C>T, p.Thr104= (NM_001164271.2, NM_001348082.2, NM_001348083.1 and 6 more transcripts); c.636C>T, p.Thr212= (NM_001316668.2, NM_001413129.1); c.1845C>T, p.Thr615= (NM_001348081.2, NM_001413124.1); c.627C>T, p.Thr209= (NM_001413130.1); c.285C>T, p.Thr95= (NM_001413131.1, NM_001413137.1); c.771C>T, p.Thr257= (NM_001413132.1); c.534C>T, p.Thr178= (NM_001413135.1, NM_001413136.1, NM_001413139.1 and 1 more transcripts); c.669C>T, p.Thr223= (NM_001413140.1); and 1 more.
Identifiers: ClinVar variation 2081215 (VCV002081215.6), dbSNP rs373454336, ClinGen allele CA4638786.
Genomic context (GRCh38, chr8:13,100,492, plus strand): 5'-GTCGTCATTGCCTGCCAAGTTGCTGGAGGAGCAAACGCTGATGACGGAGTTAGTCCGGGG[G>A]GTGGCAGCATCCTCGCTGGGGGGCGCGTGGCTGGGGAGGCTGCCAGTGCTGCTGAGGCTG-3'
Protein context (NP_872584.2, residues 605-625): SHAPPSEDAA[Thr615=]PRTNSVISVC

ClinVar aggregate classification (germline): Likely benign. Review status: criteria provided, single submitter (1 of 4 stars). 2 submissions from 2 submitters: Likely benign (1). 1 of the submissions does not count toward it. Last evaluated 2025-07-13.

Conditions:
DLC1-related disorder. Also called: DLC1-related condition.

Allele frequency attached by ClinVar (database versions not stated): ExAC 0.00005; TOPMed 0.00006; ESP Exome Variant Server 0.00015.
gnomAD v4.1: 41 of 1,612,734 alleles (0.0025%); highest among the groups gnomAD compares: Admixed American, 0.037%; no homozygotes.

Submissions (2):

Labcorp Genetics (formerly Invitae), Labcorp
Classification: Likely benign. Last evaluated: 2025-07-13. Review status: criteria provided, single submitter. Criteria: Invitae Variant Classification Sherloc (09022015). Collection method: clinical testing. Allele origin: germline.

PreventionGenetics, part of Exact Sciences
Classification: Likely benign for DLC1-related condition. Last evaluated: 2023-11-08. Review status: no assertion criteria provided. Collection method: clinical testing. Allele origin: germline. Not counted in ClinVar's aggregate classification.
Comment: This variant is classified as likely benign based on ACMG/AMP sequence variant interpretation guidelines (Richards et al. 2015 PMID: 25741868, with internal and published modifications).